The following is an entry in ClinVar:

NM_001170629.2(CHD8):c.302G>T (p.Ser101Ile)

Gene: CHD8 (chromodomain helicase DNA binding protein 8; minus strand). Cytogenetic location: 14q11.2.
Variant type: single nucleotide variant.
Coding change: c.302G>T on transcript NM_001170629.2 (MANE Select); coding-DNA position 302, G replaced by T.
Protein change: p.Ser101Ile; replaces serine 101 with isoleucine.
Molecular consequence: missense variant. On other transcripts: intron variant (1).
Genome position (GRCh38, 1-based): chr14:21,431,342, C>A on the plus strand (G>T on the coding strand, the complement: CHD8 is on the minus strand). VCF-style: chr14-21431342-C-A. GRCh37 (hg19) VCF-style: chr14-21899501-C-A.
Other names: c.6+469G>T (NM_020920.4); short protein forms S101I.
Identifiers: ClinVar variation 2065332 (VCV002065332.5), dbSNP rs1241361487, ClinGen allele CA388889610.

ClinVar aggregate classification (germline): Uncertain significance. Review status: criteria provided, multiple submitters, no conflicts (2 of 4 stars). 2 submissions from 2 submitters: Uncertain significance (2). Last evaluated 2026-08-06.

Conditions:
Intellectual developmental disorder with autism and macrocephaly. Also called: Autism, susceptibility to, 18; CHD8-Related Neurodevelopmental Disorder with Overgrowth. Identifiers: Orphanet 642675, MedGen C3554373, MONDO:0014017, OMIM 615032.

Allele frequency attached by ClinVar (database versions not stated): gnomAD exomes 0.00001.

Submissions (2):

OLLIN Analises Genomicas, OLLIN
Classification: Uncertain significance for Intellectual developmental disorder with autism and macrocephaly. Last evaluated: 2026-08-06. Review status: criteria provided, single submitter. Criteria: ACMG Guidelines 2015 PMID 25741868. Collection method: clinical testing. Allele origin: germline. Inheritance: Autosomal dominant inheritance.
Comment: This missense variant, located in exon 2 (of 38), has been reported in ClinVar (accession VCV002806082.3) and in gnomAD with an allele frequency of 0.00019%. However, to our knowledge, it has not been reported in the scientific literature. In silico analysis predicts that this variant has a tolerated effect. This gene is constrained for missense variation. According to the currently available evidence, this variant has been classified as uncertain significance (BP4_M, PP2).

Labcorp Genetics (formerly Invitae), Labcorp
Classification: Uncertain significance. Last evaluated: 2022-06-01. Review status: criteria provided, single submitter. Criteria: Invitae Variant Classification Sherloc (09022015). Collection method: clinical testing. Allele origin: germline.
Comment: In summary, the available evidence is currently insufficient to determine the role of this variant in disease. Therefore, it has been classified as a Variant of Uncertain Significance. Algorithms developed to predict the effect of missense changes on protein structure and function are either unavailable or do not agree on the potential impact of this missense change (SIFT: "Deleterious"; PolyPhen-2: "Benign"; Align-GVGD: "Class C0"). This variant has not been reported in the literature in individuals affected with CHD8-related conditions. This variant is not present in population databases (gnomAD no frequency). This sequence change replaces serine, which is neutral and polar, with isoleucine, which is neutral and non-polar, at codon 101 of the CHD8 protein (p.Ser101Ile).